The following is an entry in ClinVar:

NR_003051.4(RMRP):n.104G>A

Gene: RMRP (RNA component of mitochondrial RNA processing endoribonuclease; minus strand). Cytogenetic location: 9p13.3.
Variant type: single nucleotide variant.
Molecular consequence: non-coding transcript variant (on NR_003051.4).
Genome position: GRCh38 VCF-style: chr9-35657916-C-T. GRCh37 (hg19) VCF-style: chr9-35657913-C-T.
Identifiers: ClinVar variation 4706214 (VCV004706214.1).

ClinVar aggregate classification (germline): Uncertain significance (1 of 4 stars; one submission).

Conditions:
Anauxetic dysplasia. Identifiers: Orphanet 93347, MedGen C1846796, MONDO:0011773.

gnomAD v4.1: 8 of 700,070 alleles (0.0011%); highest among the groups gnomAD compares: East Asian, 0.013%; no homozygotes.

Submission:

Labcorp Genetics (formerly Invitae), Labcorp
Classification: Uncertain significance for Anauxetic dysplasia. Last evaluated: 2025-03-29. Review status: criteria provided, single submitter. Criteria: Invitae Variant Classification Sherloc (09022015). Collection method: clinical testing. Allele origin: germline.
Comment: This variant occurs in the RMRP gene, which encodes an RNA molecule that does not result in a protein product. This variant is present in population databases (no rsID available, gnomAD 0.03%). This variant has not been reported in the literature in individuals affected with RMRP-related conditions. Experimental studies and prediction algorithms are not available or were not evaluated, and the functional significance of this variant is currently unknown. In summary, the available evidence is currently insufficient to determine the role of this variant in disease. Therefore, it has been classified as a Variant of Uncertain Significance.